The following is an entry in ClinVar:

NM_058216.3(RAD51C):c.779G>A (p.Arg260Gln)

Gene: RAD51C (RAD51 paralog C; plus strand). Cytogenetic location: 17q22.
Variant type: single nucleotide variant.
Coding change: c.779G>A on transcript NM_058216.3 (MANE Select); coding-DNA position 779, G replaced by A.
Protein change: p.Arg260Gln; replaces arginine 260 with glutamine.
Molecular consequence: missense variant. On other transcripts: non-coding transcript variant (1).
Genome position (GRCh38, 1-based): chr17:58,709,932, G>A. VCF-style: chr17-58709932-G-A. GRCh37 (hg19) VCF-style: chr17-56787293-G-A.
Other names: short protein forms R260Q.
Identifiers: ClinVar variation 186692 (VCV000186692.34), dbSNP rs730881926, ClinGen allele CA195578.

ClinVar aggregate classification (germline): Conflicting classifications of pathogenicity. Review status: criteria provided, conflicting classifications (1 of 4 stars). 12 submissions from 12 submitters: Uncertain significance (9); Likely benign (3). Last evaluated 2026-07-22.

Conditions:
RAD51C-related disorder. Also called: RAD51C-related condition; RAD51C-related disorders.
Breast-ovarian cancer, familial, susceptibility to, 3. Also called: RAD51C-Related Breast/Ovarian Cancer. Identifiers: Orphanet 145, MedGen C3150659, MONDO:0013253, OMIM 613399.
Fanconi anemia complementation group O. Also called: RAD51C-Related Fanconi Anemia. Identifiers: Orphanet 84, MedGen C3150653, MONDO:0013248, OMIM 613390.
Hereditary cancer-predisposing syndrome. Also called: Neoplastic Syndromes, Hereditary; Tumor predisposition; Hereditary neoplastic syndrome; Hereditary Cancer Syndrome. Identifiers: Orphanet 140162, MedGen C0027672, MeSH D009386, MONDO:0015356.

Allele frequency attached by ClinVar (database versions not stated): gnomAD 0.00001; TOPMed 0.00002.
gnomAD v4.1: 14 of 1,612,240 alleles (0.00087%); highest among the groups gnomAD compares: African/African-American, 0.0094%; no homozygotes.

Submissions (12):

PreventionGenetics, part of Exact Sciences
Classification: Uncertain significance for RAD51C-related condition. Last evaluated: 2026-07-22. Review status: criteria provided, single submitter. Criteria: ACMG Guidelines, 2015. Collection method: clinical testing. Allele origin: germline.
Comment: The RAD51C c.779G>A variant is predicted to result in the amino acid substitution p.Arg260Gln. This variant has been reported in individuals with breast cancer (Eygelaar et al. 2022. PubMed ID: 35039564). It is reported in 0.0062% of alleles in individuals of African descent in gnomAD and has conflicting interpretations in ClinVar ranging from likely benign to uncertain (Variation ID: 186692). Functional analysis indicates that this variant is not expected to disrupt RNA splicing (Dragoš VŠ et al. 2022. PubMed ID: 35806449). At this time, the clinical significance of this variant is uncertain due to the absence of conclusive functional and genetic evidence.

Labcorp Genetics (formerly Invitae), Labcorp
Classification: Uncertain significance for Fanconi anemia complementation group O. Last evaluated: 2026-01-20. Review status: criteria provided, single submitter. Criteria: Invitae Variant Classification Sherloc (09022015). Collection method: clinical testing. Allele origin: germline.
Comment: This sequence change replaces arginine, which is basic and polar, with glutamine, which is neutral and polar, at codon 260 of the RAD51C protein (p.Arg260Gln). This variant is present in population databases (rs730881926, gnomAD 0.007%). This missense change has been observed in individual(s) with breast cancer (PMID: 35039564). ClinVar contains an entry for this variant (Variation ID: 186692). Invitae Evidence Modeling of protein sequence and biophysical properties (such as structural, functional, and spatial information, amino acid conservation, physicochemical variation, residue mobility, and thermodynamic stability) indicates that this missense variant is not expected to disrupt RAD51C protein function with a negative predictive value of 80%. RNA analysis performed to evaluate the impact of this missense change on mRNA splicing indicates it does not significantly alter splicing (internal data). In summary, the available evidence is currently insufficient to determine the role of this variant in disease. Therefore, it has been classified as a Variant of Uncertain Significance.

Color Diagnostics, LLC DBA Color Health
Classification: Likely benign for Hereditary cancer-predisposing syndrome. Last evaluated: 2025-09-02. Review status: criteria provided, single submitter. Criteria: ACMG Guidelines, 2015. Collection method: clinical testing. Allele origin: germline.

GeneDx
Classification: Uncertain significance. Last evaluated: 2025-04-08. Review status: criteria provided, single submitter. Criteria: GeneDx Variant Classification Process June 2021. Collection method: clinical testing. Allele origin: germline. Affected: yes.
Comment: Not observed at significant frequency in large population cohorts (gnomAD); In silico analysis supports that this missense variant has a deleterious effect on protein structure/function; This variant is associated with the following publications: (PMID: 35039564, 14704354, 36898365, 35806449, 36243179)

Myriad Genetics, Inc.
Classification: Likely benign for Breast-ovarian cancer, familial, susceptibility to, 3. Last evaluated: 2025-02-19. Review status: criteria provided, single submitter. Criteria: Myriad Autosomal Dominant, Autosomal Recessive and X-Linked Classification Criteria (2023). Collection method: clinical testing. Allele origin: unknown.
Comment: This variant is considered likely benign. This variant is strongly associated with less severe personal and family histories of cancer, typical for individuals without pathogenic variants in this gene [PMID: 25085752].

Fulgent Genetics
Classification: Uncertain significance for Fanconi anemia complementation group O; Breast-ovarian cancer, familial, susceptibility to, 3. Last evaluated: 2024-03-28. Review status: criteria provided, single submitter. Criteria: ACMG Guidelines, 2015. Collection method: clinical testing. Allele origin: germline.

Baylor Genetics
Classification: Uncertain significance for Breast-ovarian cancer, familial, susceptibility to, 3. Last evaluated: 2023-09-15. Review status: criteria provided, single submitter. Criteria: ACMG Guidelines, 2015. Collection method: clinical testing. Allele origin: unknown.

Ambry Genetics
Classification: Likely benign for Hereditary cancer-predisposing syndrome. Last evaluated: 2022-05-25. Review status: criteria provided, single submitter. Criteria: Ambry Variant Classification Scheme 2023. Collection method: clinical testing. Allele origin: germline.

Department of Molecular Diagnostics, Institute of Oncology Ljubljana
Classification: Uncertain significance for Breast-ovarian cancer, familial, susceptibility to, 3. Last evaluated: 2022-05-15. Review status: criteria provided, single submitter. Criteria: ACMG Guidelines, 2015. Collection method: clinical testing. Allele origin: germline. Affected: yes.
Comment: RAD51C:c.779G>A is present in 0.00080% in the large population studies (GnomAd). The variant is predicted to create a de novo acceptor splice site in exon 5 by in silico splicing tools. Functional RNA study has shown that the variant does not cause splicing aberration (PMID: 35806449). Therefore the variant was classified as variant of uncertain significance (ACMG/AMP: PM2, PP3)

Sema4
Classification: Uncertain significance for Hereditary cancer-predisposing syndrome. Last evaluated: 2022-01-21. Review status: criteria provided, single submitter. Criteria: Sema4 Curation Guidelines. Collection method: curation. Allele origin: germline.
Comment: The RAD51C c.779G>A (p.R260Q) variant has not been reported in individuals with RAD51C-related disease to our knowledge. It was observed in 1/16254 chromosomes of the African/African American subpopulation in the large and broad cohorts of the Genome Aggregation Database. The variant has been reported in ClinVar (Variation ID 186692). In silico tools suggest the impact of the variant on protein function is inconclusive, though these predictions have not been confirmed by functional studies. The evidence is insufficient to meet ACMG/AMP criteria for classifying the variant as benign or pathogenic. Thus, the clinical significance of this variant is currently uncertain.

Institute for Clinical Genetics, University Hospital TU Dresden, University Hospital TU Dresden
Classification: Uncertain significance. Last evaluated: 2021-11-03. Review status: criteria provided, single submitter. Criteria: ACMG Guidelines, 2015. Collection method: clinical testing. Allele origin: germline.

Women's Health and Genetics/Laboratory Corporation of America, LabCorp
Classification: Uncertain significance. Last evaluated: 2018-06-18. Review status: criteria provided, single submitter. Criteria: LabCorp Variant Classification Summary - May 2015. Collection method: clinical testing. Allele origin: germline.
Comment: Variant summary: RAD51C c.779G>A (p.Arg260Gln) results in a conservative amino acid change located in the DNA recombination and repair protein RecA-like, ATP-binding domain of the encoded protein sequence. Three of five in-silico tools predict a damaging effect of the variant on protein function. The variant allele was found at a frequency of 8.1e-06 in 246218 control chromosomes. The available data on variant occurrences in the general population are insufficient to allow any conclusion about variant significance. c.779G>A has been reported in the literature, however this report does not provide unequivocal conclusions about association of the variant with Hereditary Breast and Ovarian Cancer. To our knowledge, no experimental evidence demonstrating an impact on protein function has been reported. Three clinical diagnostic laboratories have submitted clinical-significance assessments for this variant to ClinVar after 2014 and all classified the variant as uncertain significance. Based on the evidence outlined above, the variant was classified as uncertain significance.

Literature cited by the submitters: PubMed 35039564 (cited by Labcorp Genetics (formerly Invitae), Labcorp and Ambry Genetics); PubMed 25085752 (cited by Myriad Genetics, Inc.); PubMed 35806449 (cited by Department of Molecular Diagnostics, Institute of Oncology Ljubljana); PubMed 27852271 (cited by Women's Health and Genetics/Laboratory Corporation of America, LabCorp).